The following is an entry in ClinVar:

ClinVar aggregate classification (germline): Pathogenic (1 of 4 stars; one submission).

Conditions:
Intellectual disability-severe speech delay-mild dysmorphism syndrome (IDDLA). Also called: Intellectual developmental disorder with language impairment AND with or without autistic features; Mental retardation with language impairment and autistic features; FOXP1 Syndrome. Identifiers: Orphanet 391372, MedGen C4013764, MONDO:0013352, OMIM 613670.

Submission:

Molecular Genetics Department, Kulakov National Medical Research Center for Obstetrics, Gynecology and Perinatology
Classification: Pathogenic for Intellectual disability-severe speech delay-mild dysmorphism syndrome. Review status: criteria provided, single submitter. Criteria: ACMG Guidelines, 2015. Collection method: clinical testing. Allele origin: de novo. Affected: yes. Observed: 1 variant allele.
Comment: A previously undescribed heterozygous nucleotide variant creates a frameshift p.Ala599ThrfsTer2 in the FOXP1 gene. Heterozygous variants are reported in patients with intellectual developmental disorder with language impairment with or without autistic features, 613670. The variant is not present in population database (gnomAD no frequency). Sanger sequencing revealed that the variant arose de novo (parentage confirmed). In summary, this variant has been classified as pathogenic.

NM_001349338.3(FOXP1):c.1790_1794dup (p.Ala599delinsThrTer)

Gene: FOXP1 (forkhead box P1; minus strand). Cytogenetic location: 3p13.
Variant type: Duplication.
Coding change: c.1790_1794dup on transcript NM_001349338.3 (MANE Select); coding-DNA positions 1790 to 1794, 5 bases duplicated (ACTTA; older notation c.1790_1794dupACTTA).
Protein change: p.Ala599delinsThrTer.
Molecular consequence: nonsense. On other transcripts: non-coding transcript variant (2).
Genome position (GRCh38, 1-based): chr3:70,965,985-70,965,989, TAAGT duplicated on the plus strand (ACTTA on the coding strand, the reverse complement: FOXP1 is on the minus strand); duplicating any 5 consecutive bases within chr3:70,965,985-70,965,990 gives the same sequence; the c. name uses the placement nearest the transcript's 3' end. VCF-style (leftmost placement, unchanged base first): chr3-70965984-C-CTAAGT. GRCh37 (hg19) VCF-style: chr3-71015135-C-CTAAGT.
Other names: c.1787_1791dup, p.Ala598delinsThrTer (NM_001244808.3, NM_001349341.3); c.1838_1842dup, p.Ala615delinsThrTer (NM_001244810.2); c.1562_1566dup, p.Ala523delinsThrTer (NM_001244812.3); c.1490_1494dup, p.Ala499delinsThrTer (NM_001244813.3, NM_001244815.2, NM_001349342.3); c.1790_1794dup, p.Ala599delinsThrTer (NM_001244814.3, NM_001244816.2, NM_001349340.3 and 1 more transcripts); c.1487_1491dup, p.Ala498delinsThrTer (NM_001349337.2, NM_001349343.3, NM_001349344.3 and 1 more transcripts).
Identifiers: ClinVar variation 4294487 (VCV004294487.1).